The following is an entry in ClinVar:

NM_005559.4(LAMA1):c.8G>C (p.Gly3Ala)

Gene: LAMA1 (laminin subunit alpha 1; minus strand). Cytogenetic location: 18p11.31.
Variant type: single nucleotide variant.
Coding change: c.8G>C on transcript NM_005559.4 (MANE Select); coding-DNA position 8, G replaced by C.
Protein change: p.Gly3Ala; replaces glycine 3 with alanine.
Molecular consequence: missense variant.
Genome position (GRCh38, 1-based): chr18:7,117,713, C>G on the plus strand (G>C on the coding strand, the complement: LAMA1 is on the minus strand). VCF-style: chr18-7117713-C-G. GRCh37 (hg19) VCF-style: chr18-7117712-C-G.
Other names: p.Gly3Ala; short protein forms G3A.
Identifiers: ClinVar variation 3380539 (VCV003380539.1).

ClinVar aggregate classification (germline): Uncertain significance (1 of 4 stars; one submission).

Submission:

Mayo Clinic Laboratories, Mayo Clinic
Classification: Uncertain significance. Last evaluated: 2024-05-02. Review status: criteria provided, single submitter. Criteria: ACMG Guidelines, 2015. Collection method: clinical testing. Allele origin: germline. Observed: 1 variant allele.
Comment: BP1, BP4, PM2_moderate